The following is an entry in ClinVar:

NM_000268.4(NF2):c.*2468C>G

Gene: NF2 (NF2, moesin-ezrin-radixin like (MERLIN) tumor suppressor; plus strand). Cytogenetic location: 22q12.2.
Variant type: single nucleotide variant.
Coding change: c.*2468C>G on transcript NM_000268.4 (MANE Select); 2468 bases downstream of the stop codon, C replaced by G.
Molecular consequence: 3 prime UTR variant. On other transcripts: non-coding transcript variant (1).
Genome position (GRCh38, 1-based): chr22:29,697,270, C>G. VCF-style: chr22-29697270-C-G. GRCh37 (hg19) VCF-style: chr22-30093259-C-G.
Other names: c.*2528C>G (NM_016418.5, NM_181828.3, NM_181829.3 and 1 more transcripts); c.*2543C>G (NM_181832.3); c.*2468C>G (NM_181833.3).
Identifiers: ClinVar variation 341149 (VCV000341149.6), dbSNP rs1034880, ClinGen allele CA10651050.
Genomic context (GRCh38, chr22:29,697,270, plus strand): 5'-GAGCATATGGTGGTTTATAAAAACGCTGTCGGGCTTTGTTTCCTTCTTTAGCTGCCGTGT[C>G]TACTTCTGAAGTCTGGGAAGTGCCAAGCCACGCGGCCTCAAGGGAGCTGGCTGGTGTTTG-3'

ClinVar aggregate classification (germline): Benign. Review status: criteria provided, multiple submitters, no conflicts (2 of 4 stars). 2 submissions from 2 submitters: Benign (2). Last evaluated 2018-01-13.

Conditions:
Neurofibromatosis, type 2 (SWNV). Also called: SCHWANNOMATOSIS, VESTIBULAR; BILATERAL ACOUSTIC NEUROFIBROMATOSIS; NF2-Related Schwannomatosis. Identifiers: Orphanet 637, MedGen C0027832, MONDO:0007039, OMIM 101000. Disease mechanism: loss of function.

Allele frequency attached by ClinVar (database versions not stated): 1000 Genomes Project 30x 0.26265; 1000 Genomes Project 0.26298; gnomAD 0.30294 and 0.30558; TOPMed 0.30322; gnomAD exomes 0.34131.
gnomAD v4.1: 63,798 of 203,904 alleles (31%); highest among the groups gnomAD compares: Non-Finnish European, 36%; 10,443 homozygotes.

Submissions (2):

Illumina Laboratory Services, Illumina
Classification: Benign for Neurofibromatosis, type 2. Last evaluated: 2018-01-13. Review status: criteria provided, single submitter. Criteria: ICSL Variant Classification Criteria 13 December 2019. Collection method: clinical testing. Allele origin: germline.
Comment: This variant was observed in the ICSL laboratory as part of a predisposition screen in an ostensibly healthy population. It had not been previously curated by ICSL or reported in the Human Gene Mutation Database (HGMD: prior to June 1st, 2018), and was therefore a candidate for classification through an automated scoring system. Utilizing variant allele frequency, disease prevalence and penetrance estimates, and inheritance mode, an automated score was calculated to assess if this variant is too frequent to cause the disease. Based on the score and internal cut-off values, a variant classified as benign is not then subjected to further curation. The score for this variant resulted in a classification of benign for this disease.

Breakthrough Genomics
Classification: Benign. Review status: criteria provided, single submitter. Criteria: ACMG Guidelines, 2015. Collection method: not provided. Allele origin: germline. Inheritance: Autosomal dominant inheritance. Affected: yes.